The following is an entry in ClinVar:

ClinVar aggregate classification (germline): Likely pathogenic (1 of 4 stars; one submission).

Conditions:
Chromosome 2q32-q33 deletion syndrome (GLASS). Also called: Glass syndrome; 2q33.1 deletion syndrome. Identifiers: Orphanet 251019, MedGen C2676739, MONDO:0012864, OMIM 612313.

Submission:

3billion
Classification: Likely pathogenic for Chromosome 2q32-q33 deletion syndrome. Last evaluated: 2022-03-22. Review status: criteria provided, single submitter. Criteria: ACMG Guidelines, 2015. Collection method: clinical testing. Allele origin: germline. Affected: yes. Observed: 1 heterozygote.
Comment: Stop-gained (nonsense): predicted to result in a loss or disruption of normal protein function through nonsense-mediated decay (NMD) or protein truncation. Multiple pathogenic variants are reported downstream of the variant.It is not observed in the gnomAD v2.1.1 dataset. Therefore, this variant is classified as likely pathogenic according to the recommendation of ACMG/AMP guideline.

NM_001172509.2(SATB2):c.630T>G (p.Tyr210Ter)

Gene: SATB2 (SATB homeobox 2; minus strand). Cytogenetic location: 2q33.1.
Variant type: single nucleotide variant.
Coding change: c.630T>G on transcript NM_001172509.2 (MANE Select); coding-DNA position 630, T replaced by G.
Protein change: p.Tyr210Ter; replaces tyrosine 210 with a stop codon.
Molecular consequence: nonsense.
Genome position (GRCh38, 1-based): chr2:199,368,675, A>C on the plus strand (T>G on the coding strand, the complement: SATB2 is on the minus strand). VCF-style: chr2-199368675-A-C. GRCh37 (hg19) VCF-style: chr2-200233398-A-C.
Other names: c.630T>G, p.Tyr210Ter (NM_001172517.1, NM_015265.4); short protein forms Y210*.
Identifiers: ClinVar variation 1526219 (VCV001526219.1), dbSNP rs2105850080, ClinGen allele CA350387527.